The following is an entry in ClinVar:

NM_001370259.2(MEN1):c.1012C>G (p.Leu338Val)

Gene: MEN1 (menin 1; minus strand). Cytogenetic location: 11q13.1.
Variant type: single nucleotide variant.
Coding change: c.1012C>G on transcript NM_001370259.2 (MANE Select); coding-DNA position 1012, C replaced by G.
Protein change: p.Leu338Val; replaces leucine 338 with valine.
Molecular consequence: missense variant.
Genome position (GRCh38, 1-based): chr11:64,806,269, G>C on the plus strand (C>G on the coding strand, the complement: MEN1 is on the minus strand). VCF-style: chr11-64806269-G-C. GRCh37 (hg19) VCF-style: chr11-64573741-G-C.
Other names: c.1012C>G, p.Leu338Val (NM_001370251.2, NM_001370260.2, NM_001370261.2 and 1 more transcripts); c.907C>G, p.Leu303Val (NM_001370262.2, NM_001370263.2); c.1027C>G, p.Leu343Val (NM_130800.3, NM_130801.3, NM_130802.3 and 3 more transcripts); short protein forms L338V, L343V, L303V.
Identifiers: ClinVar variation 403808 (VCV000403808.22), dbSNP rs759337318, ClinGen allele CA059690.
Genomic context (GRCh38, chr11:64,806,269, plus strand): 5'-GGCCCTAGTAGGGGGATCCTCACTCCTGGATGACAGTGGCCGTGTCCGCCCAGGCCTGCA[G>C]GGCTTCCCGCACATTGCGGTTGCGACAGTGGTAGCCAGCCAGGTACATGTAGGGGTAGAT-3'
Protein context (NP_001357188.2, residues 328-348): HCRNRNVREA[Leu338Val]QAWADTATVI

ClinVar aggregate classification (germline): Conflicting classifications of pathogenicity. Review status: criteria provided, conflicting classifications (1 of 4 stars). 8 submissions from 8 submitters: Uncertain significance (6); Benign (1); Likely benign (1). Last evaluated 2026-01-27.

Conditions:
Hereditary cancer-predisposing syndrome. Also called: Tumor predisposition; Neoplastic Syndromes, Hereditary; Hereditary Cancer Syndrome; Hereditary neoplastic syndrome. Identifiers: Orphanet 140162, MedGen C0027672, MeSH D009386, MONDO:0015356.
Multiple endocrine neoplasia, type 1 (MEN1). Also called: MEN I; WERMER SYNDROME; Endocrine adenomatosis multiple; MEN 1; MEA I. Identifiers: Orphanet 652, MedGen C0025267, MeSH D018761, MONDO:0007540, OMIM 131100.

Allele frequency attached by ClinVar (database versions not stated): gnomAD exomes 0.00001 and 0.00002; TOPMed 0.00001; ExAC 0.00002.
gnomAD v4.1: 6 of 1,614,214 alleles (0.00037%); highest among the groups gnomAD compares: Admixed American, 0.01%; no homozygotes.

Submissions (8):

Labcorp Genetics (formerly Invitae), Labcorp
Classification: Likely benign for Multiple endocrine neoplasia, type 1. Last evaluated: 2026-01-27. Review status: criteria provided, single submitter. Criteria: Invitae Variant Classification Sherloc (09022015). Collection method: clinical testing. Allele origin: germline.

St. Jude Molecular Pathology, St. Jude Children's Research Hospital
Classification: Uncertain significance for Multiple endocrine neoplasia, type 1. Last evaluated: 2024-10-30. Review status: criteria provided, single submitter. Criteria: St. Jude Assertion Criteria 2020. Collection method: clinical testing. Allele origin: germline.
Comment: The MEN1 c.1012C>G (p.Leu338Val) missense change has a maximum population frequency of 0.01% in gnomAD v2.1.1. The in silico tool REVEL predicts a deleterious effect on protein function, but to our knowledge this prediction has not been confirmed by functional studies. To our knowledge, this variant has not been reported in individuals with multiple endocrine neoplasia type I. In summary, the evidence currently available is insufficient to determine the clinical significance of this variant. It has therefore been classified as of uncertain significance.

GeneDx
Classification: Uncertain significance. Last evaluated: 2024-07-29. Review status: criteria provided, single submitter. Criteria: GeneDx Variant Classification Process June 2021. Collection method: clinical testing. Allele origin: germline. Affected: yes.
Comment: Not observed at significant frequency in large population cohorts (gnomAD); In silico analysis indicates that this missense variant does not alter protein structure/function; Has not been previously published as pathogenic or benign to our knowledge; This variant is associated with the following publications: (PMID: 12874027, 9989505)

All of Us Research Program, National Institutes of Health
Classification: Uncertain significance for Multiple endocrine neoplasia, type 1. Last evaluated: 2024-07-23. Review status: criteria provided, single submitter. Criteria: ACMG Guidelines, 2015. Collection method: clinical testing. Allele origin: germline. Inheritance: Autosomal dominant inheritance. Observed: 4 variant alleles, 4 heterozygotes.
Comment: This missense variant replaces leucine with valine at codon 338 of the MEN1 protein. Computational prediction suggests that this variant may have deleterious impact on protein structure and function (internally defined REVEL score threshold >= 0.7, PMID: 27666373). To our knowledge, functional studies have not been reported for this variant. This variant has not been reported in individuals affected with MEN1-related disorders in the literature. This variant has been identified in 5/251470 chromosomes in the general population by the Genome Aggregation Database (gnomAD). The available evidence is insufficient to determine the role of this variant in disease conclusively. Therefore, this variant is classified as a Variant of Uncertain Significance.

This study involves interpretation of variants in research participants for the purpose of population health screening. Participant phenotype was not available at the time of variant classification. Additional details can be found in publication PMID: 35346344, PMCID: PMC8962531

Color Diagnostics, LLC DBA Color Health
Classification: Uncertain significance for Multiple endocrine neoplasia, type 1. Last evaluated: 2024-02-13. Review status: criteria provided, single submitter. Criteria: ACMG Guidelines, 2015. Collection method: clinical testing. Allele origin: germline.
Comment: This missense variant replaces leucine with valine at codon 338 of the MEN1 protein. Computational prediction suggests that this variant may have deleterious impact on protein structure and function. To our knowledge, functional studies have not been reported for this variant. This variant has not been reported in individuals affected with MEN1-related disorders in the literature. This variant has been identified in 5/251470 chromosomes in the general population by the Genome Aggregation Database (gnomAD). The available evidence is insufficient to determine the role of this variant in disease conclusively. Therefore, this variant is classified as a Variant of Uncertain Significance.

Baylor Genetics
Classification: Uncertain significance for Multiple Endocrine Neoplasia Type 1. Last evaluated: 2024-01-02. Review status: criteria provided, single submitter. Criteria: ACMG Guidelines, 2015. Collection method: clinical testing. Allele origin: unknown.

Ambry Genetics
Classification: Benign for Hereditary cancer-predisposing syndrome. Last evaluated: 2023-07-07. Review status: criteria provided, single submitter. Criteria: Ambry Variant Classification Scheme 2023. Collection method: clinical testing. Allele origin: germline.

Quest Diagnostics Nichols Institute San Juan Capistrano
Classification: Uncertain significance. Last evaluated: 2015-10-26. Review status: criteria provided, single submitter. Criteria: Quest Diagnostics criteria. Collection method: clinical testing. Allele origin: unknown.
Comment: To the best of our knowledge, the variant has not been reported in individuals with MEN1-related conditions in the published literature. The frequency of this variant in the general population, 0.00014 (5/34574 chromosomes), is uninformative in assessment of its pathogenicity. Analysis of this variant using bioinformatics tools for the prediction of the effect of amino acid changes on protein structure and function yielded predictions that this variant is benign. Based on the available information, we are unable to determine the clinical significance of this variant.